The following is an entry in ClinVar:

ClinVar aggregate classification (germline): Uncertain significance. Review status: criteria provided, multiple submitters, no conflicts (2 of 4 stars). 2 submissions from 2 submitters: Uncertain significance (2). Last evaluated 2022-09-26.

Conditions:
Inborn genetic diseases. Identifiers: MedGen C0950123, MeSH D030342.
Neuronal ceroid lipofuscinosis 1 (CLN1). Also called: CEROID LIPOFUSCINOSIS, NEURONAL, 1, VARIABLE AGE AT ONSET; PPT1-Related Neuronal Ceroid-Lipofuscinosis. Identifiers: Orphanet 228329, MedGen C1850451, MONDO:0009744, OMIM 256730.

Allele frequency attached by ClinVar (database versions not stated): 1000 Genomes Project 30x 0.00016.
gnomAD v4.1: 102 of 1,613,974 alleles (0.0063%); highest among the groups gnomAD compares: Middle Eastern, 0.017%; no homozygotes.

Submissions (2):

Ambry Genetics
Classification: Uncertain significance for Inborn genetic diseases. Last evaluated: 2022-09-26. Review status: criteria provided, single submitter. Criteria: Ambry Variant Classification Scheme 2023. Collection method: clinical testing. Allele origin: germline.

Labcorp Genetics (formerly Invitae), Labcorp
Classification: Uncertain significance for Neuronal ceroid lipofuscinosis 1. Last evaluated: 2021-10-27. Review status: criteria provided, single submitter. Criteria: Invitae Variant Classification Sherloc (09022015). Collection method: clinical testing. Allele origin: germline.
Comment: This sequence change replaces cysteine, a(n) neutral and slightly polar amino acid, with phenylalanine, a(n) neutral and non-polar amino acid, at codon 6 of the PPT1 protein (p.Cys6Phe). This variant is present in population databases (rs202241486, gnomAD 0.003%). This variant has not been reported in the literature in individuals affected with PPT1-related conditions. Advanced modeling of protein sequence and biophysical properties (such as structural, functional, and spatial information, amino acid conservation, physicochemical variation, residue mobility, and thermodynamic stability) performed at Invitae indicates that this missense variant is not expected to disrupt PPT1 protein function. In summary, the available evidence is currently insufficient to determine the role of this variant in disease. Therefore, it has been classified as a Variant of Uncertain Significance.

NM_000310.4(PPT1):c.17G>T (p.Cys6Phe)

Gene: PPT1 (palmitoyl-protein thioesterase 1; minus strand). Cytogenetic location: 1p34.2.
Variant type: single nucleotide variant.
Coding change: c.17G>T on transcript NM_000310.4 (MANE Select); coding-DNA position 17, G replaced by T.
Protein change: p.Cys6Phe; replaces cysteine 6 with phenylalanine.
Molecular consequence: missense variant.
Genome position (GRCh38, 1-based): chr1:40,097,222, C>A on the plus strand (G>T on the coding strand, the complement: PPT1 is on the minus strand). VCF-style: chr1-40097222-C-A. GRCh37 (hg19) VCF-style: chr1-40562894-C-A.
Other names: c.17G>T, p.Cys6Phe (NM_001142604.2, NM_001363695.2); c.17G>T (NM_000310.3); short protein forms C6F.
Identifiers: ClinVar variation 1482209 (VCV001482209.4), dbSNP rs202241486, ClinGen allele CA789861.
Genomic context (GRCh38, chr1:40,097,222, plus strand): 5'-TGCTGCAGCGCCCGAGAAGCGCAGGTCCATGGCAGGAGAGCCACAGCCAAGAGCCACAGG[C>A]AGCCGGGCGACGCCATCTTCGCTGTGTCACATGACCGCGGGCGCGAGACTCCGGGAACCG-3'
Protein context (NP_000301.1, residues 1-16): MASPG[Cys6Phe]LWLLAVALLP